The following is an entry in ClinVar:

ClinVar aggregate classification (germline): Conflicting classifications of pathogenicity. Review status: criteria provided, conflicting classifications (1 of 4 stars). 4 submissions from 4 submitters: Uncertain significance (1); Likely benign (3). Last evaluated 2025-10-02.

Conditions:
Meckel syndrome, type 11 (MKS11). Identifiers: Orphanet 564, MedGen C3809352, MONDO:0014164, OMIM 615397.
Joubert syndrome 20 (JBTS20). Identifiers: Orphanet 475, MedGen C3554235, MONDO:0013994, OMIM 614970.

Allele frequency attached by ClinVar (database versions not stated): gnomAD exomes 0.00006 and 0.00016; TOPMed 0.00006; gnomAD 0.00007; ExAC 0.00008; 1000 Genomes Project 30x 0.00016; 1000 Genomes Project 0.00020.
gnomAD v4.1: 233 of 1,613,776 alleles (0.014%); highest among the groups gnomAD compares: Non-Finnish European, 0.019%; no homozygotes.

Submissions (4):

Labcorp Genetics (formerly Invitae), Labcorp
Classification: Likely benign for Joubert syndrome 20; Meckel syndrome, type 11. Last evaluated: 2025-10-02. Review status: criteria provided, single submitter. Criteria: Invitae Variant Classification Sherloc (09022015). Collection method: clinical testing. Allele origin: germline.

GeneDx
Classification: Uncertain significance. Last evaluated: 2024-09-10. Review status: criteria provided, single submitter. Criteria: GeneDx Variant Classification Process June 2021. Collection method: clinical testing. Allele origin: germline. Affected: yes.
Comment: Not observed at significant frequency in large population cohorts (gnomAD); Has not been previously published as pathogenic or benign to our knowledge; In silico analysis suggests this variant may impact gene splicing. In the absence of RNA/functional studies, the actual effect of this sequence change is unknown.

Blueprint Genetics
Classification: Likely benign. Last evaluated: 2024-08-07. Review status: criteria provided, single submitter. Criteria: ACMG Guidelines, 2015. Collection method: clinical testing. Allele origin: germline.

Breakthrough Genomics
Classification: Likely benign. Review status: criteria provided, single submitter. Criteria: ACMG Guidelines, 2015. Collection method: not provided. Allele origin: germline. Inheritance: Autosomal recessive inheritance. Affected: yes.

NM_001077418.3(TMEM231):c.870C>T (p.Phe290=)

Gene: TMEM231 (transmembrane protein 231; minus strand). Cytogenetic location: 16q23.1.
Variant type: single nucleotide variant.
Coding change: c.870C>T on transcript NM_001077418.3 (MANE Select); coding-DNA position 870, C replaced by T.
Protein change: p.Phe290=; no amino-acid change (phenylalanine 290 retained).
Molecular consequence: synonymous variant. On other transcripts: non-coding transcript variant (1).
Genome position (GRCh38, 1-based): chr16:75,540,075, G>A on the plus strand (C>T on the coding strand, the complement: TMEM231 is on the minus strand). VCF-style: chr16-75540075-G-A. GRCh37 (hg19) VCF-style: chr16-75573973-G-A.
Other names: c.1029C>T, p.Phe343= (NM_001077416.2).
Identifiers: ClinVar variation 741715 (VCV000741715.14), dbSNP rs541349898, ClinGen allele CA8176004.